The following is an entry in ClinVar:

ClinVar aggregate classification (germline): Likely benign (0 of 4 stars; one submission).

Conditions:
HPSE2-related disorder. Also called: HPSE2-related condition.

Submission:

PreventionGenetics, part of Exact Sciences
Classification: Likely benign for HPSE2-related condition. Last evaluated: 2024-04-05. Review status: no assertion criteria provided. Collection method: clinical testing. Allele origin: germline.
Comment: This variant is classified as likely benign based on ACMG/AMP sequence variant interpretation guidelines (Richards et al. 2015 PMID: 25741868, with internal and published modifications).

NM_021828.5(HPSE2):c.1005-7A>C

Gene: HPSE2 (heparanase 2 (inactive); minus strand). Cytogenetic location: 10q24.2.
Variant type: single nucleotide variant.
Coding change: c.1005-7A>C on transcript NM_021828.5 (MANE Select); 7 bases into the intron before coding-DNA position 1005, A replaced by C.
Molecular consequence: intron variant.
Genome position (GRCh38, 1-based): chr10:98,641,947, T>G on the plus strand (A>C on the coding strand, the complement: HPSE2 is on the minus strand). VCF-style: chr10-98641947-T-G. GRCh37 (hg19) VCF-style: chr10-100401704-T-G.
Other names: c.669-7A>C (NM_001166245.1); c.831-7A>C (NM_001166244.1); c.1005-7A>C (NM_001166246.1).
Identifiers: ClinVar variation 3348686 (VCV003348686.1).